The following is an entry in ClinVar:

ClinVar aggregate classification (germline): Uncertain significance (1 of 4 stars; one submission).

Conditions:
Myofibrillar myopathy 3 (MFM3). Also called: Muscular dystrophy, proximal, type 1A; Autosomal dominant spheroid body myopathy. Identifiers: Orphanet 266, Orphanet 268129, MedGen C3714934, MONDO:0012215, OMIM 609200.

Allele frequency attached by ClinVar (database versions not stated): gnomAD exomes below 0.00001.
gnomAD v4.1: 2 of 1,613,878 alleles (0.00012%); highest among the groups gnomAD compares: Non-Finnish European, 0.00017%; no homozygotes.

Submission:

Labcorp Genetics (formerly Invitae), Labcorp
Classification: Uncertain significance for Myofibrillar myopathy 3. Last evaluated: 2025-02-13. Review status: criteria provided, single submitter. Criteria: Invitae Variant Classification Sherloc (09022015). Collection method: clinical testing. Allele origin: germline.
Comment: This sequence change replaces glutamic acid, which is acidic and polar, with lysine, which is basic and polar, at codon 5 of the MYOT protein (p.Glu5Lys). This variant is not present in population databases (gnomAD no frequency). This variant has not been reported in the literature in individuals affected with MYOT-related conditions. ClinVar contains an entry for this variant (Variation ID: 3011844). An algorithm developed to predict the effect of missense changes on protein structure and function (PolyPhen-2) suggests that this variant is likely to be disruptive. In summary, the available evidence is currently insufficient to determine the role of this variant in disease. Therefore, it has been classified as a Variant of Uncertain Significance.

NM_006790.3(MYOT):c.13G>A (p.Glu5Lys)

Genes: MYOT (myotilin; plus strand), PKD2L2-DT (PKD2L2 divergent transcript; minus strand). Cytogenetic location: 5q31.2.
Variant type: single nucleotide variant.
Coding change: c.13G>A on transcript NM_006790.3 (MANE Select); coding-DNA position 13, G replaced by A.
Protein change: p.Glu5Lys; replaces glutamic acid 5 with lysine.
Molecular consequence: missense variant. On other transcripts: intron variant (2).
Genome position (GRCh38, 1-based): chr5:137,870,664, G>A. VCF-style: chr5-137870664-G-A. GRCh37 (hg19) VCF-style: chr5-137206353-G-A.
Other names: c.-121+139G>A (NM_001300911.2); c.-197+139G>A (NM_001135940.2); short protein forms E5K.
Identifiers: ClinVar variation 3011844 (VCV003011844.3), dbSNP rs1755017561, ClinGen allele CA361477760.